The following is an entry in ClinVar:

ClinVar aggregate classification (germline): Uncertain significance (1 of 4 stars; one submission).

Allele frequency attached by ClinVar (database versions not stated): gnomAD exomes below 0.00001; TOPMed 0.00005.
gnomAD v4.1: 1 of 1,211,379 alleles (0.000083%); highest among the groups gnomAD compares: African/African-American, 0.0017%; no homozygotes.

Submission:

GeneDx
Classification: Uncertain significance. Last evaluated: 2019-06-11. Review status: criteria provided, single submitter. Criteria: GeneDx Variant Classification Process June 2021. Collection method: clinical testing. Allele origin: germline. Affected: yes.
Comment: Not observed in large population cohorts (Lek et al., 2016); Has not been previously published as pathogenic or benign to our knowledge

NM_001008537.3(NEXMIF):c.4304G>A (p.Ser1435Asn)

Gene: NEXMIF (neurite extension and migration factor; minus strand). Cytogenetic location: Xq13.3.
Variant type: single nucleotide variant.
Coding change: c.4304G>A on transcript NM_001008537.3 (MANE Select); coding-DNA position 4304, G replaced by A.
Protein change: p.Ser1435Asn; replaces serine 1435 with asparagine.
Molecular consequence: missense variant.
Genome position (GRCh38, 1-based): chrX:74,740,253, C>T on the plus strand (G>A on the coding strand, the complement: NEXMIF is on the minus strand). VCF-style: chrX-74740253-C-T. GRCh37 (hg19) VCF-style: chrX-73960088-C-T.
Other names: short protein forms S1435N.
Identifiers: ClinVar variation 1303626 (VCV001303626.2), dbSNP rs1191839167, ClinGen allele CA413663576.
Genomic context (GRCh38, chrX:74,740,253, plus strand): 5'-TTGGAGCTGGATTTGTGACGATACAACTTTTTGTGTGTCGGTCCGTTATTGCCTAAAGTG[C>T]TCATGTTACTATACTTTTTATCAAAGAAGGTAGAGCGAGAGTCCTCGTTATAACCAGGCA-3'
Protein context (NP_001008537.1, residues 1425-1445): TFFDKKYSNM[Ser1435Asn]TLGNNGPTHK